The following is an entry in ClinVar:

ClinVar aggregate classification (germline): Likely benign (1 of 4 stars; one submission).

gnomAD v4.1: 244 of 1,602,756 alleles (0.015%); highest among the groups gnomAD compares: South Asian, 0.0055%; no homozygotes.

Submission:

CeGaT Center for Human Genetics Tuebingen
Classification: Likely benign. Last evaluated: 2025-10-01. Review status: criteria provided, single submitter. Criteria: CeGaT Center For Human Genetics Tuebingen Variant Classification Criteria Version 2. Collection method: clinical testing. Allele origin: germline. Affected: yes. Observed: 1 variant allele.
Comment: PCDHB10: BP4, BP7

NM_018930.4(PCDHB10):c.1842G>A (p.Leu614=)

Genes: PCDHB10 (protocadherin beta 10; plus strand), PCDHB@ (protocadherin beta cluster; plus strand). Cytogenetic location: 5q31.3.
Variant type: single nucleotide variant.
Coding change: c.1842G>A on transcript NM_018930.4 (MANE Select); coding-DNA position 1842, G replaced by A.
Protein change: p.Leu614=; no amino-acid change (leucine 614 retained).
Molecular consequence: synonymous variant.
Genome position (GRCh38, 1-based): chr5:141,194,394, G>A. VCF-style: chr5-141194394-G-A. GRCh37 (hg19) VCF-style: chr5-140573967-G-A.
Identifiers: ClinVar variation 4533892 (VCV004533892.6).